The following is an entry in ClinVar:

ClinVar aggregate classification (germline): Pathogenic (1 of 4 stars; one submission).

Conditions:
Bifunctional peroxisomal enzyme deficiency (DBIF). Also called: PBFE DEFICIENCY; D-bifunctional protein deficiency; DBP DEFICIENCY. Identifiers: Orphanet 300, MedGen C0342870, MONDO:0009855, OMIM 261515. Disease mechanism: loss of function.
Perrault syndrome. Also called: Gonadal dysgenesis with auditory dysfunction, autosomal recessive inheritance. Identifiers: Orphanet 2855, MedGen C0685838, MONDO:0017312.

Submission:

Labcorp Genetics (formerly Invitae), Labcorp
Classification: Pathogenic for Perrault syndrome; Bifunctional peroxisomal enzyme deficiency. Last evaluated: 2017-05-04. Review status: criteria provided, single submitter. Criteria: Invitae Variant Classification Sherloc (09022015). Collection method: clinical testing. Allele origin: germline.
Comment: This sequence change creates a premature translational stop signal (p.Phe526Leufs*106) in the HSD17B4 gene. It is expected to result in an absent or disrupted protein product. This variant is not present in population databases (ExAC no frequency). This variant has not been reported in the literature in individuals with a HSD17B4-related disease. Loss-of-function variants in HSD17B4 are known to be pathogenic (PMID: 16385454, 11810648). For these reasons, this variant has been classified as Pathogenic.

Literature cited by the submitters: PubMed 16385454; PubMed 11810648.

NM_000414.4(HSD17B4):c.1578del (p.Phe526fs)

Gene: HSD17B4 (hydroxysteroid 17-beta dehydrogenase 4; plus strand). Cytogenetic location: 5q23.1.
Variant type: Deletion.
Coding change: c.1578del on transcript NM_000414.4 (MANE Select); coding-DNA position 1578, one base deleted (T; older notation c.1578delT).
Protein change: p.Phe526fs; shifts the reading frame from phenylalanine 526.
Molecular consequence: frameshift variant.
Genome position (GRCh38, 1-based): chr5:119,525,921, T deleted; the last of 4 consecutive T bases (chr5:119,525,918-119,525,921); deleting any one gives the same sequence. VCF-style (leftmost placement, unchanged base first): chr5-119525917-GT-G. GRCh37 (hg19) VCF-style: chr5-118861612-GT-G.
Other names: c.1653del, p.Phe551fs (NM_001199291.3); c.1524del, p.Phe508fs (NM_001199292.2); c.1506del, p.Phe502fs (NM_001292027.2); c.1158del, p.Phe386fs (NM_001292028.2); short protein forms F386fs, F526fs, F502fs, F508fs, F551fs.
Identifiers: ClinVar variation 582190 (VCV000582190.2), dbSNP rs1561485663, ClinGen allele CA891843096.